The following is an entry in ClinVar:

NM_000255.4(MMUT):c.1513del (p.Ile505fs)

Gene: MMUT (methylmalonyl-CoA mutase; minus strand). Cytogenetic location: 6p12.3.
Variant type: Deletion.
Coding change: c.1513del on transcript NM_000255.4 (MANE Select); coding-DNA position 1513, one base deleted (A; older notation c.1513delA).
Protein change: p.Ile505fs; shifts the reading frame from isoleucine 505.
Molecular consequence: frameshift variant.
Genome position (GRCh38, 1-based): chr6:49,447,717, T deleted on the plus strand (A on the coding strand, the reverse complement: MMUT is on the minus strand); the first of 2 consecutive T bases (chr6:49,447,717-49,447,718); deleting either gives the same sequence. VCF-style (leftmost placement, unchanged base first): chr6-49447716-AT-A. GRCh37 (hg19) VCF-style: chr6-49415429-AT-A.
Other names: short protein forms I505fs.
Identifiers: ClinVar variation 1424311 (VCV001424311.6), dbSNP rs2127416819, ClinGen allele CA2573140879.

ClinVar aggregate classification (germline): Pathogenic (1 of 4 stars; one submission).

Submission:

Labcorp Genetics (formerly Invitae), Labcorp
Classification: Pathogenic. Last evaluated: 2023-12-14. Review status: criteria provided, single submitter. Criteria: Invitae Variant Classification Sherloc (09022015). Collection method: clinical testing. Allele origin: germline.
Comment: This sequence change creates a premature translational stop signal (p.Ile505Leufs*33) in the MUT gene. It is expected to result in an absent or disrupted protein product. Loss-of-function variants in MUT are known to be pathogenic (PMID: 15781192). This variant is not present in population databases (gnomAD no frequency). This variant has not been reported in the literature in individuals affected with MUT-related conditions. ClinVar contains an entry for this variant (Variation ID: 1424311). For these reasons, this variant has been classified as Pathogenic.

Literature cited by the submitters: PubMed 15781192.